The following is an entry in ClinVar:

ClinVar aggregate classification (germline): Conflicting classifications of pathogenicity. Review status: criteria provided, conflicting classifications (1 of 4 stars). 19 submissions from 15 submitters: Uncertain significance (11); Likely benign (6). 2 of the submissions do not count toward it. Last evaluated 2026-04-01.

Conditions:
Usher syndrome type 1 (USH1). Also called: RETINITIS PIGMENTOSA AND CONGENITAL DEAFNESS. Identifiers: Orphanet 231169, Orphanet 886, MedGen C1568247, MONDO:0010168, OMIM 276900.
Autosomal recessive nonsyndromic hearing loss 2. Also called: NEUROSENSORY NONSYNDROMIC RECESSIVE DEAFNESS 2; DEAFNESS, AUTOSOMAL RECESSIVE 2. Identifiers: Orphanet 90636, MedGen C1838701, MONDO:0010807, OMIM 600060.
Autosomal dominant nonsyndromic hearing loss 11. Identifiers: Orphanet 90635, MedGen C1832475, MONDO:0011032, OMIM 601317.
Cone-rod dystrophy. Also called: Cone/cone-rod dystrophy; Cone-rod degeneration. Identifiers: Orphanet 1872, MedGen C4085590, MONDO:0015993, HP:0000548.
Hearing impairment. Also called: Impaired Hearing. Identifiers: MedGen C1384666, MONDO:0005365, HP:0000365.

Allele frequency attached by ClinVar (database versions not stated): ESP Exome Variant Server 0.00057; gnomAD exomes 0.00067 and 0.00090; 1000 Genomes Project 0.00040; 1000 Genomes Project 30x 0.00047; ExAC 0.00073; gnomAD 0.00073 and 0.00080; TOPMed 0.00073.
gnomAD v4.1: 1,437 of 1,613,212 alleles (0.089%); highest among the groups gnomAD compares: South Asian, 0.23%; 3 homozygotes.

Submissions (19):

CeGaT Center for Human Genetics Tuebingen
Classification: Likely benign. Last evaluated: 2026-04-01. Review status: criteria provided, single submitter. Criteria: CeGaT Center For Human Genetics Tuebingen Variant Classification Criteria Version 2. Collection method: clinical testing. Allele origin: germline. Affected: yes. Observed: 3 variant alleles.
Comment: MYO7A: BS1:Supporting

Labcorp Genetics (formerly Invitae), Labcorp
Classification: Likely benign. Last evaluated: 2026-01-19. Review status: criteria provided, single submitter. Criteria: Invitae Variant Classification Sherloc (09022015). Collection method: clinical testing. Allele origin: germline.

GeneDx
Classification: Uncertain significance. Last evaluated: 2025-11-12. Review status: criteria provided, single submitter. Criteria: GeneDx Variant Classification Process June 2021. Collection method: clinical testing. Allele origin: germline. Affected: yes.
Comment: Observed in patients with Usher syndrome or Meniere's disease in published literature; however, patient-level information was not available (PMID: 22135276, 30828346); Identified heterozygous in a patient with hearing loss, but additional evidence was not available (PMID: 34515852); In silico analysis supports that this missense variant has a deleterious effect on protein structure/function; This variant is associated with the following publications: (PMID: 30828346, 22135276, 38927702, 34515852)

Blueprint Genetics
Classification: Likely benign. Last evaluated: 2024-11-26. Review status: criteria provided, single submitter. Criteria: ACMG Guidelines, 2015. Collection method: clinical testing. Allele origin: germline.

Athena Diagnostics
Classification: Uncertain significance. Last evaluated: 2023-01-19. Review status: criteria provided, single submitter. Criteria: Athena Diagnostics Criteria. Collection method: clinical testing. Allele origin: unknown.
Comment: Available data are insufficient to determine the clinical significance of the variant at this time. The frequency of this variant in the general population is higher than would generally be expected for pathogenic variants in this gene. Computational tools predict that this variant is damaging.

Genome-Nilou Lab
Classification: Likely benign for Autosomal dominant nonsyndromic hearing loss 11. Last evaluated: 2021-07-14. Review status: criteria provided, single submitter. Criteria: ACMG Guidelines, 2015. Collection method: clinical testing. Allele origin: germline. Affected: no.

Genome-Nilou Lab
Classification: Uncertain significance for Autosomal recessive nonsyndromic hearing loss 2. Last evaluated: 2021-07-14. Review status: criteria provided, single submitter. Criteria: ACMG Guidelines, 2015. Collection method: clinical testing. Allele origin: germline. Affected: no.

Genome-Nilou Lab
Classification: Uncertain significance for Usher syndrome type 1. Last evaluated: 2021-07-14. Review status: criteria provided, single submitter. Criteria: ACMG Guidelines, 2015. Collection method: clinical testing. Allele origin: germline. Affected: no.

Pars Genome Lab
Classification: Uncertain significance for Usher syndrome type 1. Last evaluated: 2021-05-18. Review status: criteria provided, single submitter. Criteria: ACMG Guidelines, 2015. Collection method: clinical testing. Allele origin: germline. Affected: no.

Department of Otolaryngology – Head & Neck Surgery, Cochlear Implant Center
Classification: Uncertain significance for Hearing impairment. Last evaluated: 2021-04-12. Review status: criteria provided, single submitter. Criteria: ClinGen HL ACMG Specifications v1. Collection method: clinical testing. Allele origin: germline. Affected: yes.
Comment: PM2_Supporting, PP3_Supporting

Cambridge Genomics Laboratory, East Genomic Laboratory Hub, NHS Genomic Medicine Service
Classification: Uncertain significance for Cone-rod dystrophy. Last evaluated: 2020-03-20. Review status: criteria provided, single submitter. Criteria: ACGS Best Practice Guidelines for Variant Classification in Rare Disease 2020. Collection method: clinical testing. Allele origin: germline. Affected: yes. Observed: 1 variant allele.

Illumina Laboratory Services, Illumina
Classification: Likely benign for Autosomal dominant nonsyndromic hearing loss 11. Last evaluated: 2018-01-13. Review status: criteria provided, single submitter. Criteria: ICSL Variant Classification Criteria 13 December 2019. Collection method: clinical testing. Allele origin: germline.
Comment: This variant was observed in the ICSL laboratory as part of a predisposition screen in an ostensibly healthy population. It had not been previously curated by ICSL or reported in the Human Gene Mutation Database (HGMD: prior to June 1st, 2018), and was therefore a candidate for classification through an automated scoring system. Utilizing variant allele frequency, disease prevalence and penetrance estimates, and inheritance mode, an automated score was calculated to assess if this variant is too frequent to cause the disease. Based on the score and internal cut-off values, a variant classified as likely benign is not then subjected to further curation. The score for this variant resulted in a classification of likely benign for this disease.

Illumina Laboratory Services, Illumina
Classification: Uncertain significance for Usher syndrome type 1. Last evaluated: 2018-01-13. Review status: criteria provided, single submitter. Criteria: ICSL Variant Classification Criteria 13 December 2019. Collection method: clinical testing. Allele origin: germline.

Illumina Laboratory Services, Illumina
Classification: Uncertain significance for Autosomal recessive nonsyndromic hearing loss 2. Last evaluated: 2018-01-13. Review status: criteria provided, single submitter. Criteria: ICSL Variant Classification Criteria 13 December 2019. Collection method: clinical testing. Allele origin: germline.

ARUP Laboratories, Molecular Genetics and Genomics, ARUP Laboratories
Classification: Uncertain significance. Last evaluated: 2017-09-16. Review status: criteria provided, single submitter. Criteria: ARUP Molecular Germline Variant Investigation Process. Collection method: clinical testing. Allele origin: germline.
Comment: The p.Gln962His variant (rs200641606) has been reported in one individual with a clinical diagnosis of Usher syndrome (Le Quesne Stabej 2012); however, inheritance and specific clinical information were not reported for this individual. The p.Gln962His variant is listed in the Genome Aggregation Database (gnomAD) browser with an overall allele frequency of 0.068% (identified in 187 out of 276,178 chromosomes; 0 homozygotes), and is classified as a variant of uncertain significance in ClinVar (Variant ID: 43194). The glutamine at codon 962 is moderately conserved considering 13 species (Alamut software v2.9.0), and computational analyses suggest that this variant affects the MYO7A protein structure/function (SIFT: damaging, PolyPhen2: possibly damaging, MutationTaster: disease causing). However, based on the available information, the clinical significance of the p.Gln962His variant cannot be determined with certainty.

Laboratory for Molecular Medicine, Mass General Brigham Personalized Medicine
Classification: Likely benign. Last evaluated: 2016-06-09. Review status: criteria provided, single submitter. Criteria: LMM Criteria. Collection method: clinical testing. Allele origin: germline. Observed: 3 variant alleles.
Comment: p.Gln962His in exon 23 of MYO7A: This variant is not expected to have clinical s ignificance because it has been identified in 0.3% (39/15796) of South Asian chr omosomes by the Exome Aggregation Consortium (ExAC, rg; dbSNP rs200641606). Although this variant has been reported in two individu als with hearing loss, in one individual two other pathogenic or likely pathogen ic variants were identified (LeQuesne Stabej 2012), and in the other individual a variant affecting the remaining copy of MYO7A was not identified. Therefore, given the frequency of this variant, it is likely benign.

Eurofins Ntd Llc (ga)
Classification: Uncertain significance. Last evaluated: 2014-12-19. Review status: criteria provided, single submitter. Criteria: EGL Classification Definitions 2015. Collection method: clinical testing. Allele origin: germline. Observed: 2 variant alleles, 2 heterozygotes.

Clinical Genetics DNA and cytogenetics Diagnostics Lab, Erasmus MC, Erasmus Medical Center
Classification: Uncertain significance. Review status: no assertion criteria provided. Collection method: clinical testing. Allele origin: germline. Affected: yes. Study: VKGL Data-share Consensus. Not counted in ClinVar's aggregate classification.

Clinical Genetics, Academic Medical Center
Classification: Uncertain significance. Review status: no assertion criteria provided. Collection method: clinical testing. Allele origin: germline. Affected: yes. Study: VKGL Data-share Consensus. Not counted in ClinVar's aggregate classification.

Literature cited by the submitters: PubMed 30828346 (cited by Athena Diagnostics); PubMed 22135276 (cited by 4 submitters).

NM_000260.4(MYO7A):c.2886G>C (p.Gln962His)

Gene: MYO7A (myosin VIIA; plus strand). Cytogenetic location: 11q13.5.
Variant type: single nucleotide variant.
Coding change: c.2886G>C on transcript NM_000260.4 (MANE Select); coding-DNA position 2886, G replaced by C.
Protein change: p.Gln962His; replaces glutamine 962 with histidine.
Molecular consequence: missense variant.
Genome position (GRCh38, 1-based): chr11:77,181,571, G>C. VCF-style: chr11-77181571-G-C. GRCh37 (hg19) VCF-style: chr11-76892617-G-C.
Other names: c.2886G>C, p.Gln962His (NM_001127180.2); c.2853G>C, p.Gln951His (NM_001369365.1); short protein forms Q962H, Q951H.
Identifiers: ClinVar variation 43194 (VCV000043194.85), dbSNP rs200641606, ClinGen allele CA132270.